The following is an entry in ClinVar:

NM_001127649.3(PEX26):c.77G>C (p.Arg26Pro)

Gene: PEX26 (peroxisomal biogenesis factor 26; plus strand). Cytogenetic location: 22q11.21.
Variant type: single nucleotide variant.
Coding change: c.77G>C on transcript NM_001127649.3 (MANE Select); coding-DNA position 77, G replaced by C.
Protein change: p.Arg26Pro; replaces arginine 26 with proline.
Molecular consequence: missense variant.
Genome position (GRCh38, 1-based): chr22:18,078,453, G>C. VCF-style: chr22-18078453-G-C. GRCh37 (hg19) VCF-style: chr22-18561219-G-C.
Other names: c.77G>C, p.Arg26Pro (NM_001199319.2, NM_017929.6); short protein forms R26P.
Identifiers: ClinVar variation 938319 (VCV000938319.7), dbSNP rs770555305, ClinGen allele CA321284353.

ClinVar aggregate classification (germline): Uncertain significance (1 of 4 stars; one submission).

Conditions:
Peroxisome biogenesis disorder 7A (Zellweger). Also called: Peroxisome biogenesis disorder 7A. Identifiers: Orphanet 912, MedGen C3888385, MONDO:0013938, OMIM 614872.
Peroxisome biogenesis disorder 7B (PBD7B). Identifiers: Orphanet 44, MedGen C3553951, MONDO:0013939, OMIM 614873.

Allele frequency attached by ClinVar (database versions not stated): TOPMed 0.00001.
gnomAD v4.1: 2 of 1,577,652 alleles (0.00013%); highest among the groups gnomAD compares: Non-Finnish European, 0.00017%; no homozygotes.

Submission:

Labcorp Genetics (formerly Invitae), Labcorp
Classification: Uncertain significance for Peroxisome biogenesis disorder 7A (Zellweger); Peroxisome biogenesis disorder 7B. Last evaluated: 2021-09-01. Review status: criteria provided, single submitter. Criteria: Invitae Variant Classification Sherloc (09022015). Collection method: clinical testing. Allele origin: germline.
Comment: This sequence change replaces arginine with proline at codon 26 of the PEX26 protein (p.Arg26Pro). The arginine residue is moderately conserved and there is a moderate physicochemical difference between arginine and proline. This variant is not present in population databases (ExAC no frequency). This variant has not been reported in the literature in individuals affected with PEX26-related conditions. Algorithms developed to predict the effect of missense changes on protein structure and function (SIFT, PolyPhen-2, Align-GVGD) all suggest that this variant is likely to be tolerated. In summary, the available evidence is currently insufficient to determine the role of this variant in disease. Therefore, it has been classified as a Variant of Uncertain Significance.